The following is an entry in ClinVar:

ClinVar aggregate classification (germline): Likely benign (0 of 4 stars; one submission).

Conditions:
SCAF4-related disorder. Also called: SCAF4-related condition.

gnomAD v4.1: 236 of 1,601,696 alleles (0.015%); highest among the groups gnomAD compares: African/African-American, 0.13%; 1 homozygote.

Submission:

PreventionGenetics, part of Exact Sciences
Classification: Likely benign for SCAF4-related condition. Last evaluated: 2024-03-14. Review status: no assertion criteria provided. Collection method: clinical testing. Allele origin: germline.
Comment: This variant is classified as likely benign based on ACMG/AMP sequence variant interpretation guidelines (Richards et al. 2015 PMID: 25741868, with internal and published modifications).

NM_020706.2(SCAF4):c.2061G>A (p.Pro687=)

Gene: SCAF4 (SR-related CTD associated factor 4; minus strand). Cytogenetic location: 21q22.11.
Variant type: single nucleotide variant.
Coding change: c.2061G>A on transcript NM_020706.2 (MANE Select); coding-DNA position 2061, G replaced by A.
Protein change: p.Pro687=; no amino-acid change (proline 687 retained).
Molecular consequence: synonymous variant.
Genome position (GRCh38, 1-based): chr21:31,685,716, C>T on the plus strand (G>A on the coding strand, the complement: SCAF4 is on the minus strand). VCF-style: chr21-31685716-C-T. GRCh37 (hg19) VCF-style: chr21-33058029-C-T.
Other names: c.2016G>A, p.Pro672= (NM_001145444.1); c.2061G>A, p.Pro687= (NM_001145445.1).
Identifiers: ClinVar variation 3358610 (VCV003358610.1).